The following is an entry in ClinVar:

ClinVar aggregate classification (germline): Likely benign (1 of 4 stars; one submission).

Allele frequency attached by ClinVar (database versions not stated): ExAC 0.00001; gnomAD exomes 0.00001.
gnomAD v4.1: 10 of 1,613,894 alleles (0.00062%); highest among the groups gnomAD compares: East Asian, 0.0022%; no homozygotes.

Submission:

CeGaT Center for Human Genetics Tuebingen
Classification: Likely benign. Last evaluated: 2022-12-01. Review status: criteria provided, single submitter. Criteria: CeGaT Center For Human Genetics Tuebingen Variant Classification Criteria Version 2. Collection method: clinical testing. Allele origin: germline. Affected: yes. Observed: 1 variant allele.
Comment: ARHGAP21: BP4, BP7

NM_020824.4(ARHGAP21):c.1689C>T (p.Ser563=)

Gene: ARHGAP21 (Rho GTPase activating protein 21; minus strand). Cytogenetic location: 10p12.1.
Variant type: single nucleotide variant.
Coding change: c.1689C>T on transcript NM_020824.4 (MANE Select); coding-DNA position 1689, C replaced by T.
Protein change: p.Ser563=; no amino-acid change (serine 563 retained).
Molecular consequence: synonymous variant. On other transcripts: non-coding transcript variant (5).
Genome position (GRCh38, 1-based): chr10:24,620,206, G>A on the plus strand (C>T on the coding strand, the complement: ARHGAP21 is on the minus strand). VCF-style: chr10-24620206-G-A. GRCh37 (hg19) VCF-style: chr10-24909135-G-A.
Other names: c.1659C>T, p.Ser553= (NM_001367447.1, NM_001367451.1, NM_001367453.1); c.1689C>T, p.Ser563= (NM_001367448.1, NM_001367454.1); c.1395C>T, p.Ser465= (NM_001367449.1, NM_001367450.1); c.1218C>T, p.Ser406= (NM_001367452.1); c.1050C>T, p.Ser350= (NM_001367455.1).
Identifiers: ClinVar variation 2640356 (VCV002640356.24), dbSNP rs12765840, ClinGen allele CA5441763.